The following is an entry in ClinVar:

NM_000077.5(CDKN2A):c.266G>T (p.Gly89Val)

Gene: CDKN2A (cyclin dependent kinase inhibitor 2A; minus strand). Cytogenetic location: 9p21.3.
Variant type: single nucleotide variant.
Coding change: c.266G>T on transcript NM_000077.5; coding-DNA position 266, G replaced by T.
Protein change: p.Gly89Val; replaces glycine 89 with valine.
Molecular consequence: missense variant (on NM_000077.6). On other transcripts: synonymous variant (1), 3 prime UTR variant (1).
Genome position (GRCh38, 1-based): chr9:21,971,093, C>A on the plus strand (G>T on the coding strand, the complement: CDKN2A is on the minus strand). VCF-style: chr9-21971093-C-A. GRCh37 (hg19) VCF-style: chr9-21971092-C-A.
Other names: c.266G>T, p.Gly89Val (NM_000077.6, NM_001195132.2); c.113G>T, p.Gly38Val (NM_001363763.2); c.309G>T, p.Gly103= (NM_058195.4); c.*189G>T (NM_058197.5); short protein forms G38V, G89V.
Identifiers: ClinVar variation 1802421 (VCV001802421.2), dbSNP rs137854599, ClinGen allele CA373086195.

ClinVar aggregate classification (germline): Uncertain significance (1 of 4 stars; one submission).

Conditions:
Melanoma and neural system tumor syndrome. Also called: MELANOMA-ASTROCYTOMA SYNDROME. Identifiers: Orphanet 252206, MedGen C1835042, MONDO:0007967, OMIM 155755.

Submission:

Laboratorio de Genetica e Diagnostico Molecular, Hospital Israelita Albert Einstein
Classification: Uncertain significance for Melanoma and neural system tumor syndrome. Last evaluated: 2022-08-28. Review status: criteria provided, single submitter. Criteria: ACMG Guidelines, 2015. Collection method: clinical testing. Allele origin: germline. Affected: yes. Observed: 1 variant allele.
Comment: ACMG classification criteria: PM2 moderated, PP3 supporting